The following is an entry in ClinVar:

NM_001040424.3(PRDM15):c.520G>A (p.Ala174Thr)

Genes: PRDM15 (PR/SET domain 15; minus strand), LOC126653386 (CDK7 strongly-dependent group 2 enhancer GRCh37_chr21:43274198-43275397; plus strand). Cytogenetic location: 21q22.3.
Variant type: single nucleotide variant.
Coding change: c.520G>A on transcript NM_001040424.3 (MANE Select); coding-DNA position 520, G replaced by A.
Protein change: p.Ala174Thr; replaces alanine 174 with threonine.
Molecular consequence: missense variant. On other transcripts: non-coding transcript variant (4).
Genome position (GRCh38, 1-based): chr21:41,854,584, C>T on the plus strand (G>A on the coding strand, the complement: PRDM15 is on the minus strand). VCF-style: chr21-41854584-C-T. GRCh37 (hg19) VCF-style: chr21-43274693-C-T.
Other names: c.520G>A, p.Ala174Thr (NM_001282934.2); c.718G>A, p.Ala240Thr (NM_022115.7); short protein forms A174T, A240T.
Identifiers: ClinVar variation 2652690 (VCV002652690.24), dbSNP rs140468382, ClinGen allele CA10037025.

ClinVar aggregate classification (germline): Likely benign (1 of 4 stars; one submission).

Allele frequency attached by ClinVar (database versions not stated): 1000 Genomes Project 30x 0.00078; 1000 Genomes Project 0.00080; ESP Exome Variant Server 0.00177; ExAC 0.00179; TOPMed 0.00208; gnomAD 0.00218; gnomAD exomes 0.00251.
gnomAD v4.1: 3,928 of 1,613,388 alleles (0.24%); highest among the groups gnomAD compares: Non-Finnish European, 0.31%; 7 homozygotes.

Submission:

CeGaT Center for Human Genetics Tuebingen
Classification: Likely benign. Last evaluated: 2023-02-01. Review status: criteria provided, single submitter. Criteria: CeGaT Center For Human Genetics Tuebingen Variant Classification Criteria Version 2. Collection method: clinical testing. Allele origin: germline. Affected: yes. Observed: 1 variant allele.
Comment: PRDM15: BP4, BS2